The following is an entry in ClinVar:

NM_004360.5(CDH1):c.2125G>T (p.Ala709Ser)

Gene: CDH1 (cadherin 1; plus strand). Cytogenetic location: 16q22.1.
Variant type: single nucleotide variant.
Coding change: c.2125G>T on transcript NM_004360.5 (MANE Select); coding-DNA position 2125, G replaced by T.
Protein change: p.Ala709Ser; replaces alanine 709 with serine.
Molecular consequence: missense variant.
Genome position (GRCh38, 1-based): chr16:68,823,587, G>T. VCF-style: chr16-68823587-G-T. GRCh37 (hg19) VCF-style: chr16-68857490-G-T.
Other names: c.1942G>T, p.Ala648Ser (NM_001317184.2); c.577G>T, p.Ala193Ser (NM_001317185.2); c.160G>T, p.Ala54Ser (NM_001317186.2); short protein forms A709S, A193S, A54S, A648S.
Identifiers: ClinVar variation 1953447 (VCV001953447.6), dbSNP rs138101372, ClinGen allele CA8130196.

ClinVar aggregate classification (germline): Uncertain significance. Review status: criteria provided, multiple submitters, no conflicts (2 of 4 stars). 2 submissions from 2 submitters: Uncertain significance (2). Last evaluated 2025-05-27.

Conditions:
Hereditary diffuse gastric adenocarcinoma (HDGC). Also called: DIFFUSE GASTRIC AND LOBULAR BREAST CANCER SYNDROME. Identifiers: Orphanet 26106, MedGen C1708349, MONDO:0007648, OMIM 137215.
Hereditary cancer-predisposing syndrome. Also called: Tumor predisposition; Hereditary neoplastic syndrome; Hereditary Cancer Syndrome; Neoplastic Syndromes, Hereditary. Identifiers: Orphanet 140162, MedGen C0027672, MeSH D009386, MONDO:0015356.

Allele frequency attached by ClinVar (database versions not stated): gnomAD exomes below 0.00001; ExAC 0.00001; ESP Exome Variant Server 0.00008.
gnomAD v4.1: 2 of 1,613,598 alleles (0.00012%); highest among the groups gnomAD compares: Non-Finnish European, 0.00017%; no homozygotes.

Submissions (2):

Color Diagnostics, LLC DBA Color Health
Classification: Uncertain significance for Hereditary cancer-predisposing syndrome. Last evaluated: 2025-05-27. Review status: criteria provided, single submitter. Criteria: ACMG Guidelines, 2015. Collection method: clinical testing. Allele origin: germline.
Comment: This missense variant replaces alanine with serine at codon 709 of the CDH1 protein. To our knowledge, functional studies have not been reported for this variant. This variant has not been reported in individuals affected with CDH1-related disorders in the literature. This variant has been identified in 1/250514 chromosomes in the general population by the Genome Aggregation Database (gnomAD). The available evidence is insufficient to determine the role of this variant in disease conclusively. Therefore, this variant is classified as a Variant of Uncertain Significance.

Labcorp Genetics (formerly Invitae), Labcorp
Classification: Uncertain significance for Hereditary diffuse gastric adenocarcinoma. Last evaluated: 2022-01-01. Review status: criteria provided, single submitter. Criteria: Invitae Variant Classification Sherloc (09022015). Collection method: clinical testing. Allele origin: germline.
Comment: This sequence change replaces alanine, which is neutral and non-polar, with serine, which is neutral and polar, at codon 709 of the CDH1 protein (p.Ala709Ser). This variant is present in population databases (rs138101372, gnomAD 0.0009%). This variant has not been reported in the literature in individuals affected with CDH1-related conditions. Algorithms developed to predict the effect of missense changes on protein structure and function are either unavailable or do not agree on the potential impact of this missense change (SIFT: "Tolerated"; PolyPhen-2: "Possibly Damaging"; Align-GVGD: "Class C0"). In summary, the available evidence is currently insufficient to determine the role of this variant in disease. Therefore, it has been classified as a Variant of Uncertain Significance.